The following is an entry in ClinVar:

NM_000135.4(FANCA):c.658C>G (p.Gln220Glu)

Gene: FANCA (FA complementation group A; minus strand). Cytogenetic location: 16q24.3.
Variant type: single nucleotide variant.
Coding change: c.658C>G on transcript NM_000135.4 (MANE Select); coding-DNA position 658, C replaced by G.
Protein change: p.Gln220Glu; replaces glutamine 220 with glutamic acid.
Molecular consequence: missense variant.
Genome position (GRCh38, 1-based): chr16:89,805,331, G>C on the plus strand (C>G on the coding strand, the complement: FANCA is on the minus strand). VCF-style: chr16-89805331-G-C. GRCh37 (hg19) VCF-style: chr16-89871739-G-C.
Other names: c.658C>G, p.Gln220Glu (NM_001018112.3, NM_001286167.3); c.562C>G, p.Gln188Glu (NM_001351830.2); short protein forms Q220E, Q188E.
Identifiers: ClinVar variation 3848123 (VCV003848123.1).

ClinVar aggregate classification (germline): Uncertain significance (1 of 4 stars; one submission).

Conditions:
Inborn genetic diseases. Identifiers: MedGen C0950123, MeSH D030342.

Submission:

Ambry Genetics
Classification: Uncertain significance for Inborn genetic diseases. Last evaluated: 2025-01-18. Review status: criteria provided, single submitter. Criteria: Ambry Variant Classification Scheme 2023. Collection method: clinical testing. Allele origin: germline.
Comment: The p.Q220E variant (also known as c.658C>G), located in coding exon 7 of the FANCA gene, results from a C to G substitution at nucleotide position 658. The glutamine at codon 220 is replaced by glutamic acid, an amino acid with highly similar properties. This amino acid position is conserved. In addition, this alteration is predicted to be tolerated by in silico analysis. Based on the available evidence, the clinical significance of this variant remains unclear.